The following is an entry in ClinVar:

ClinVar aggregate classification (germline): Pathogenic (1 of 4 stars; one submission).

Conditions:
COG7 congenital disorder of glycosylation (CDG2E). Also called: CDG IIe; CONGENITAL DISORDER OF GLYCOSYLATION, TYPE IIe. Identifiers: Orphanet 79333, MedGen C2931010, MONDO:0012118, OMIM 608779.

Submission:

Labcorp Genetics (formerly Invitae), Labcorp
Classification: Pathogenic for COG7 congenital disorder of glycosylation. Last evaluated: 2024-04-17. Review status: criteria provided, single submitter. Criteria: Invitae Variant Classification Sherloc (09022015). Collection method: clinical testing. Allele origin: germline.
Comment: This sequence change creates a premature translational stop signal (p.Gln459Argfs*13) in the COG7 gene. It is expected to result in an absent or disrupted protein product. Loss-of-function variants in COG7 are known to be pathogenic (PMID: 21811164). This variant is not present in population databases (gnomAD no frequency). This variant has not been reported in the literature in individuals affected with COG7-related conditions. ClinVar contains an entry for this variant (Variation ID: 2004610). For these reasons, this variant has been classified as Pathogenic.

Literature cited by the submitters: PubMed 21811164.

NM_153603.4(COG7):c.1375del (p.Gln459fs)

Gene: COG7 (component of oligomeric golgi complex 7; minus strand). Cytogenetic location: 16p12.2.
Variant type: Deletion.
Coding change: c.1375del on transcript NM_153603.4 (MANE Select); coding-DNA position 1375, one base deleted (C; older notation c.1375delC).
Protein change: p.Gln459fs; shifts the reading frame from glutamine 459.
Molecular consequence: frameshift variant.
Genome position (GRCh38, 1-based): chr16:23,413,482, G deleted on the plus strand (C on the coding strand, the reverse complement: COG7 is on the minus strand); the first of 2 consecutive G bases (chr16:23,413,482-23,413,483); deleting either gives the same sequence. VCF-style (leftmost placement, unchanged base first): chr16-23413481-TG-T. GRCh37 (hg19) VCF-style: chr16-23424802-TG-T.
Other names: short protein forms Q459fs.
Identifiers: ClinVar variation 2004610 (VCV002004610.4), dbSNP rs2506592783, ClinGen allele CA2580091223.